The following is an entry in ClinVar:

NM_020631.6(PLEKHG5):c.2138A>C (p.Glu713Ala)

Gene: PLEKHG5 (pleckstrin homology and RhoGEF domain containing G5; minus strand). Cytogenetic location: 1p36.31.
Variant type: single nucleotide variant.
Coding change: c.2138A>C on transcript NM_020631.6 (MANE Select); coding-DNA position 2138, A replaced by C.
Protein change: p.Glu713Ala; replaces glutamic acid 713 with alanine.
Molecular consequence: missense variant.
Genome position (GRCh38, 1-based): chr1:6,469,153, T>G on the plus strand (A>C on the coding strand, the complement: PLEKHG5 is on the minus strand). VCF-style: chr1-6469153-T-G. GRCh37 (hg19) VCF-style: chr1-6529213-T-G.
Other names: c.2249A>C, p.Glu750Ala (NM_001042663.3, NM_001265592.2); c.2138A>C, p.Glu713Ala (NM_001042664.2, NM_001042665.2, NM_001265594.3 and 1 more transcripts); c.2345A>C, p.Glu782Ala (NM_001265593.2); short protein forms E713A, E782A, E750A.
Identifiers: ClinVar variation 652853 (VCV000652853.6), dbSNP rs1241363420, ClinGen allele CA338118662.

ClinVar aggregate classification (germline): Uncertain significance (1 of 4 stars; one submission).

Conditions:
Neuronopathy, distal hereditary motor, autosomal recessive 4. Also called: NEUROPATHY, DISTAL HEREDITARY MOTOR, AUTOSOMAL RECESSIVE 4; Autosomal recessive lower motor neuron disease with childhood onset. Identifiers: Orphanet 206580, MedGen C1970211, MONDO:0012608, OMIM 611067.
Charcot-Marie-Tooth disease recessive intermediate C. Also called: CHARCOT-MARIE-TOOTH NEUROPATHY, RECESSIVE INTERMEDIATE C. Identifiers: Orphanet 369867, MedGen C3809309, MONDO:0014154, OMIM 615376.

Allele frequency attached by ClinVar (database versions not stated): gnomAD exomes below 0.00001 and 0.00001.
gnomAD v4.1: 7 of 1,612,670 alleles (0.00043%); highest among the groups gnomAD compares: Non-Finnish European, 0.00059%; no homozygotes.

Submission:

Labcorp Genetics (formerly Invitae), Labcorp
Classification: Uncertain significance for Neuronopathy, distal hereditary motor, autosomal recessive 4; Charcot-Marie-Tooth disease recessive intermediate C. Last evaluated: 2022-07-12. Review status: criteria provided, single submitter. Criteria: Invitae Variant Classification Sherloc (09022015). Collection method: clinical testing. Allele origin: germline.
Comment: This sequence change replaces glutamic acid, which is acidic and polar, with alanine, which is neutral and non-polar, at codon 713 of the PLEKHG5 protein (p.Glu713Ala). The frequency data for this variant in the population databases is considered unreliable, as metrics indicate poor data quality at this position in the gnomAD database. This variant has not been reported in the literature in individuals affected with PLEKHG5-related conditions. ClinVar contains an entry for this variant (Variation ID: 652853). Algorithms developed to predict the effect of missense changes on protein structure and function are either unavailable or do not agree on the potential impact of this missense change (SIFT: "Tolerated"; PolyPhen-2: "Possibly Damaging"; Align-GVGD: "Class C0"). In summary, the available evidence is currently insufficient to determine the role of this variant in disease. Therefore, it has been classified as a Variant of Uncertain Significance.